The following is an entry in ClinVar:

ClinVar aggregate classification (germline): Uncertain significance (1 of 4 stars; one submission).

Allele frequency attached by ClinVar (database versions not stated): gnomAD exomes below 0.00001.
gnomAD v4.1: 1 of 1,602,494 alleles (0.000062%); highest among the groups gnomAD compares: Non-Finnish European, 0.000086%; no homozygotes.

Submission:

Labcorp Genetics (formerly Invitae), Labcorp
Classification: Uncertain significance. Last evaluated: 2022-02-04. Review status: criteria provided, single submitter. Criteria: Invitae Variant Classification Sherloc (09022015). Collection method: clinical testing. Allele origin: germline.
Comment: This sequence change falls in intron 3 of the GPAA1 gene. It does not directly change the encoded amino acid sequence of the GPAA1 protein. It affects a nucleotide within the consensus splice site. In summary, the available evidence is currently insufficient to determine the role of this variant in disease. Therefore, it has been classified as a Variant of Uncertain Significance. Variants that disrupt the consensus splice site are a relatively common cause of aberrant splicing (PMID: 17576681, 9536098). Algorithms developed to predict the effect of sequence changes on RNA splicing suggest that this variant is not likely to affect RNA splicing. This variant has not been reported in the literature in individuals affected with GPAA1-related conditions. This variant is not present in population databases (gnomAD no frequency).

Literature cited by the submitters: PubMed 17576681; PubMed 9536098.

NM_003801.4(GPAA1):c.366+4C>T

Gene: GPAA1 (glycosylphosphatidylinositol anchor attachment 1; plus strand). Cytogenetic location: 8q24.3.
Variant type: single nucleotide variant.
Coding change: c.366+4C>T on transcript NM_003801.4 (MANE Select); 4 bases into the intron after coding-DNA position 366, C replaced by T.
Molecular consequence: intron variant.
Genome position (GRCh38, 1-based): chr8:144,083,504, C>T. VCF-style: chr8-144083504-C-T. GRCh37 (hg19) VCF-style: chr8-145138407-C-T.
Identifiers: ClinVar variation 1499968 (VCV001499968.6), dbSNP rs1835942615, ClinGen allele CA1826129745.
Genomic context (GRCh38, chr8:144,083,504, plus strand): 5'-TACACGCAGAGTTTCTCCCGGAAACTGCCCTTCCCAGATGAGACCCACGAGCGCTATGTA[C>T]TGGGGGAGTGGGGTGTGCCTGGGCCCAGAAAGCACCTTGGAGGGAGGGGTCTGGGCTGGG-3'